The following is an entry in ClinVar:

NM_133510.4(RAD51B):c.553T>G (p.Cys185Gly)

Gene: RAD51B (RAD51 paralog B; plus strand). Cytogenetic location: 14q24.1.
Variant type: single nucleotide variant.
Coding change: c.553T>G on transcript NM_133510.4 (MANE Select); coding-DNA position 553, T replaced by G.
Protein change: p.Cys185Gly; replaces cysteine 185 with glycine.
Molecular consequence: missense variant.
Genome position (GRCh38, 1-based): chr14:67,885,969, T>G. VCF-style: chr14-67885969-T-G. GRCh37 (hg19) VCF-style: chr14-68352686-T-G.
Other names: c.553T>G, p.Cys185Gly (NM_001321809.2, NM_001321810.2, NM_001321812.1 and 6 more transcripts); c.439T>G, p.Cys147Gly (NM_001321815.1); c.196T>G, p.Cys66Gly (NM_001321817.2); short protein forms C185G, C66G, C147G.
Identifiers: ClinVar variation 3786349 (VCV003786349.1).

ClinVar aggregate classification (germline): Uncertain significance (1 of 4 stars; one submission).

gnomAD v4.1: 82 of 1,600,162 alleles (0.0051%); highest among the groups gnomAD compares: Non-Finnish European, 0.0069%; no homozygotes.

Submission:

Ambry Genetics
Classification: Uncertain significance. Last evaluated: 2024-12-23. Review status: criteria provided, single submitter. Criteria: Ambry Variant Classification Scheme 2023. Collection method: clinical testing. Allele origin: germline.
Comment: The p.C185G variant (also known as c.553T>G), located in coding exon 5 of the RAD51B gene, results from a T to G substitution at nucleotide position 553. The cysteine at codon 185 is replaced by glycine, an amino acid with highly dissimilar properties. This amino acid position is highly conserved in available vertebrate species. In addition, the in silico prediction for this alteration is inconclusive. The evidence for this gene-disease relationship is limited; therefore, the clinical significance of this alteration is unclear.